The following is an entry in ClinVar:

ClinVar aggregate classification (germline): Uncertain significance (1 of 4 stars; one submission).

Allele frequency attached by ClinVar (database versions not stated): gnomAD 0.00001 and 0.00002; gnomAD exomes 0.00001; TOPMed 0.00001.
gnomAD v4.1: 14 of 1,551,424 alleles (0.0009%); highest among the groups gnomAD compares: Admixed American, 0.0059%; no homozygotes.

Submission:

Labcorp Genetics (formerly Invitae), Labcorp
Classification: Uncertain significance. Last evaluated: 2025-07-20. Review status: criteria provided, single submitter. Criteria: Invitae Variant Classification Sherloc (09022015). Collection method: clinical testing. Allele origin: germline.
Comment: This sequence change replaces threonine, which is neutral and polar, with methionine, which is neutral and non-polar, at codon 220 of the KPNA7 protein (p.Thr220Met). This variant is present in population databases (no rsID available, gnomAD 0.008%). This variant has not been reported in the literature in individuals affected with KPNA7-related conditions. ClinVar contains an entry for this variant (Variation ID: 934967). Invitae Evidence Modeling of protein sequence and biophysical properties (such as structural, functional, and spatial information, amino acid conservation, physicochemical variation, residue mobility, and thermodynamic stability) has been performed for this missense variant. However, the output from this modeling did not meet the statistical confidence thresholds required to predict the impact of this variant on KPNA7 protein function. In summary, the available evidence is currently insufficient to determine the role of this variant in disease. Therefore, it has been classified as a Variant of Uncertain Significance.

NM_001145715.3(KPNA7):c.659C>T (p.Thr220Met)

Gene: KPNA7 (karyopherin subunit alpha 7; minus strand). Cytogenetic location: 7q22.1.
Variant type: single nucleotide variant.
Coding change: c.659C>T on transcript NM_001145715.3 (MANE Select); coding-DNA position 659, C replaced by T.
Protein change: p.Thr220Met; replaces threonine 220 with methionine.
Molecular consequence: missense variant.
Genome position (GRCh38, 1-based): chr7:99,188,541, G>A on the plus strand (C>T on the coding strand, the complement: KPNA7 is on the minus strand). VCF-style: chr7-99188541-G-A. GRCh37 (hg19) VCF-style: chr7-98786164-G-A.
Other names: short protein forms T220M.
Identifiers: ClinVar variation 934967 (VCV000934967.10), dbSNP rs887469291, ClinGen allele CA163745815.